The following is an entry in ClinVar:

NM_001943.5(DSG2):c.2583A>G (p.Thr861=)

Genes: DSG2 (desmoglein 2; plus strand), DSG2-AS1 (DSG2 antisense RNA 1; minus strand). Cytogenetic location: 18q12.1.
Variant type: single nucleotide variant.
Coding change: c.2583A>G on transcript NM_001943.5 (MANE Select); coding-DNA position 2583, A replaced by G.
Protein change: p.Thr861=; no amino-acid change (threonine 861 retained).
Molecular consequence: synonymous variant.
Genome position (GRCh38, 1-based): chr18:31,545,969, A>G. VCF-style: chr18-31545969-A-G. GRCh37 (hg19) VCF-style: chr18-29125932-A-G.
Other names: c.2583A>G (LRG_397t1).
Identifiers: ClinVar variation 517918 (VCV000517918.15), dbSNP rs774775322, ClinGen allele CA046525.

ClinVar aggregate classification (germline): Likely benign. Review status: criteria provided, multiple submitters, no conflicts (2 of 4 stars). 6 submissions from 6 submitters: Likely benign (6). Last evaluated 2025-11-07.

Conditions:
Cardiovascular phenotype. Identifiers: MedGen CN230736.
Arrhythmogenic right ventricular cardiomyopathy (ARVD). Also called: Arrhythmogenic cardiomyopathy; Arrhythmogenic Right Ventricular Cardiomyopathy (ARVC); Cardiomyopathy, ARVC; Arrhythmogenic right ventricular dysplasia. Identifiers: Orphanet 247, MedGen C0349788, MeSH D019571, MONDO:0016587. Disease mechanism: loss of function. Inheritance: Various modes of inheritance.
Cardiomyopathy (CMYO). Also called: Cardiomyopathies. Identifiers: Orphanet 167848, MedGen C0878544, MONDO:0004994, HP:0001638. Inheritance: Various modes of inheritance.
Arrhythmogenic right ventricular dysplasia 10. Also called: Arrhythmogenic right ventricular dysplasia/cardiomyopathy, type 10; Arrhythmogenic Right Ventricular Dysplasia/Cardiomyopathy10; ARRHYTHMOGENIC RIGHT VENTRICULAR DYSPLASIA, FAMILIAL, 10. Identifiers: MedGen C1857777, MONDO:0012434, OMIM 610193.

Allele frequency attached by ClinVar (database versions not stated): gnomAD exomes 0.00001 and 0.00002; ExAC 0.00002; TOPMed 0.00002; gnomAD 0.00001.
gnomAD v4.1: 29 of 1,614,088 alleles (0.0018%); highest among the groups gnomAD compares: Non-Finnish European, 0.0024%; no homozygotes.

Submissions (6):

Labcorp Genetics (formerly Invitae), Labcorp
Classification: Likely benign for Arrhythmogenic right ventricular dysplasia 10. Last evaluated: 2025-11-07. Review status: criteria provided, single submitter. Criteria: Invitae Variant Classification Sherloc (09022015). Collection method: clinical testing. Allele origin: germline.

Molecular Diagnostic Laboratory for Inherited Cardiovascular Disease, Montreal Heart Institute
Classification: Likely benign. Last evaluated: 2025-07-24. Review status: criteria provided, single submitter. Criteria: ACMG Guidelines, 2015. Collection method: clinical testing. Allele origin: germline. Affected: no.
Comment: BP7

All of Us Research Program, National Institutes of Health
Classification: Likely benign for Arrhythmogenic right ventricular cardiomyopathy. Last evaluated: 2024-04-16. Review status: criteria provided, single submitter. Criteria: ACMG Guidelines, 2015. Collection method: clinical testing. Allele origin: germline. Inheritance: Autosomal dominant inheritance. Observed: 2 variant alleles, 2 heterozygotes.
Comment: This study involves interpretation of variants in research participants for the purpose of population health screening. Participant phenotype was not available at the time of variant classification. Additional details can be found in publication PMID: 35346344, PMCID: PMC8962531

Ambry Genetics
Classification: Likely benign for Cardiovascular phenotype. Last evaluated: 2021-10-13. Review status: criteria provided, single submitter. Criteria: Ambry Variant Classification Scheme 2023. Collection method: clinical testing. Allele origin: germline.

Color Diagnostics, LLC DBA Color Health
Classification: Likely benign for Cardiomyopathy. Last evaluated: 2019-01-07. Review status: criteria provided, single submitter. Criteria: ACMG Guidelines, 2015. Collection method: clinical testing. Allele origin: germline.

GeneDx
Classification: Likely benign. Last evaluated: 2017-06-13. Review status: criteria provided, single submitter. Criteria: GeneDx Variant Classification (06012015). Collection method: clinical testing. Allele origin: germline. Affected: yes.
Comment: This variant is considered likely benign or benign based on one or more of the following criteria: it is a conservative change, it occurs at a poorly conserved position in the protein, it is predicted to be benign by multiple in silico algorithms, and/or has population frequency not consistent with disease.